The following is an entry in ClinVar:

NM_014908.4(DOLK):c.355A>G (p.Met119Val)

Gene: DOLK (dolichol kinase; minus strand). Cytogenetic location: 9q34.11.
Variant type: single nucleotide variant.
Coding change: c.355A>G on transcript NM_014908.4 (MANE Select); coding-DNA position 355, A replaced by G.
Protein change: p.Met119Val; replaces methionine 119 with valine.
Molecular consequence: missense variant.
Genome position (GRCh38, 1-based): chr9:128,946,949, T>C on the plus strand (A>G on the coding strand, the complement: DOLK is on the minus strand). VCF-style: chr9-128946949-T-C. GRCh37 (hg19) VCF-style: chr9-131709228-T-C.
Other names: short protein forms M119V.
Identifiers: ClinVar variation 1489167 (VCV001489167.6), dbSNP rs2131128868, ClinGen allele CA375126314.

ClinVar aggregate classification (germline): Uncertain significance (1 of 4 stars; one submission).

Conditions:
DK1-congenital disorder of glycosylation. Also called: DK1-CDG; CONGENITAL DISORDER OF GLYCOSYLATION, TYPE Im; CDG Im; DOLK-congenital disorder of glycosylation; Carbohydrate deficient glycoprotein syndrome type 1m; DK1 DEFICIENCY. Identifiers: Orphanet 91131, MedGen C1835849, MONDO:0012556, OMIM 610768.

Submission:

Labcorp Genetics (formerly Invitae), Labcorp
Classification: Uncertain significance for DK1-congenital disorder of glycosylation. Last evaluated: 2021-09-08. Review status: criteria provided, single submitter. Criteria: Invitae Variant Classification Sherloc (09022015). Collection method: clinical testing. Allele origin: germline.
Comment: This sequence change replaces methionine with valine at codon 119 of the DOLK protein (p.Met119Val). The methionine residue is moderately conserved and there is a small physicochemical difference between methionine and valine. This variant is not present in population databases (ExAC no frequency). This variant has not been reported in the literature in individuals affected with DOLK-related conditions. Algorithms developed to predict the effect of missense changes on protein structure and function are either unavailable or do not agree on the potential impact of this missense change (SIFT: "Tolerated"; PolyPhen-2: "Probably Damaging"; Align-GVGD: "Class C0"). In summary, the available evidence is currently insufficient to determine the role of this variant in disease. Therefore, it has been classified as a Variant of Uncertain Significance.